The following is an entry in ClinVar:

NM_003718.5(CDK13):c.3888C>T (p.Ala1296=)

Gene: CDK13 (cyclin dependent kinase 13; plus strand). Cytogenetic location: 7p14.1.
Variant type: single nucleotide variant.
Coding change: c.3888C>T on transcript NM_003718.5 (MANE Select); coding-DNA position 3888, C replaced by T.
Protein change: p.Ala1296=; no amino-acid change (alanine 1296 retained).
Molecular consequence: synonymous variant.
Genome position (GRCh38, 1-based): chr7:40,094,329, C>T. VCF-style: chr7-40094329-C-T. GRCh37 (hg19) VCF-style: chr7-40133928-C-T.
Other names: c.3708C>T, p.Ala1236= (NM_031267.4).
Identifiers: ClinVar variation 732624 (VCV000732624.23), dbSNP rs150235453, ClinGen allele CA4229030.

ClinVar aggregate classification (germline): Likely benign. Review status: criteria provided, multiple submitters, no conflicts (2 of 4 stars). 3 submissions from 3 submitters: Likely benign (3). Last evaluated 2026-01-17.

Allele frequency attached by ClinVar (database versions not stated): 1000 Genomes Project 30x 0.00016; 1000 Genomes Project 0.00020; ESP Exome Variant Server 0.00023; TOPMed 0.00042.
gnomAD v4.1: 923 of 1,613,496 alleles (0.057%); highest among the groups gnomAD compares: Non-Finnish European, 0.071%; no homozygotes.

Submissions (3):

Labcorp Genetics (formerly Invitae), Labcorp
Classification: Likely benign. Last evaluated: 2026-01-17. Review status: criteria provided, single submitter. Criteria: Invitae Variant Classification Sherloc (09022015). Collection method: clinical testing. Allele origin: germline.

CeGaT Center for Human Genetics Tuebingen
Classification: Likely benign. Last evaluated: 2024-12-01. Review status: criteria provided, single submitter. Criteria: CeGaT Center For Human Genetics Tuebingen Variant Classification Criteria Version 2. Collection method: clinical testing. Allele origin: germline. Affected: yes. Observed: 1 variant allele.
Comment: CDK13: BP4, BP7

Blueprint Genetics
Classification: Likely benign. Last evaluated: 2024-11-06. Review status: criteria provided, single submitter. Criteria: ACMG Guidelines, 2015. Collection method: clinical testing. Allele origin: germline.